The following is an entry in ClinVar:

NM_004369.4(COL6A3):c.8779_8780delinsTC (p.Met2927Ser)

Gene: COL6A3 (collagen type VI alpha 3 chain; minus strand). Cytogenetic location: 2q37.3.
Variant type: Indel.
Coding change: c.8779_8780delinsTC on transcript NM_004369.4 (MANE Select); coding-DNA positions 8779 to 8780, AT replaced by TC.
Protein change: p.Met2927Ser; replaces methionine 2927 with serine.
Molecular consequence: missense variant.
Genome position (GRCh38, 1-based): chr2:237,336,320-237,336,321, AT replaced by GA on the plus strand (AT replaced by TC on the coding strand, the reverse complement: COL6A3 is on the minus strand). VCF-style: chr2-237336320-AT-GA. GRCh37 (hg19) VCF-style: chr2-238244963-AT-GA.
Other names: c.6958_6959delinsTC, p.Met2320Ser (NM_057166.5); c.8161_8162delinsTC, p.Met2721Ser (NM_057167.4); short protein forms M2927S, M2320S, M2721S.
Identifiers: ClinVar variation 1437045 (VCV001437045.6), dbSNP rs2106314453, ClinGen allele CA2573135628.

ClinVar aggregate classification (germline): Uncertain significance (1 of 4 stars; one submission).

Conditions:
Bethlem myopathy 1A. Also called: MYOPATHY, BENIGN CONGENITAL, WITH CONTRACTURES; Bethlem Muscular Dystrophy; Bethlem myopathy 1. Identifiers: Orphanet 610, MedGen CN029274, MONDO:0024530, OMIM 158810.

Submission:

Labcorp Genetics (formerly Invitae), Labcorp
Classification: Uncertain significance for Bethlem myopathy 1A. Last evaluated: 2024-07-30. Review status: criteria provided, single submitter. Criteria: Invitae Variant Classification Sherloc (09022015). Collection method: clinical testing. Allele origin: germline.
Comment: This sequence change replaces methionine, which is neutral and non-polar, with serine, which is neutral and polar, at codon 2927 of the COL6A3 protein (p.Met2927Ser). Information on the frequency of this variant in the gnomAD database is not available, as this variant may be reported differently in the database. This variant has not been reported in the literature in individuals affected with COL6A3-related conditions. ClinVar contains an entry for this variant (Variation ID: 1437045). Experimental studies and prediction algorithms are not available or were not evaluated, and the functional significance of this variant is currently unknown. In summary, the available evidence is currently insufficient to determine the role of this variant in disease. Therefore, it has been classified as a Variant of Uncertain Significance.